The following is an entry in ClinVar:

NM_002156.5(HSPD1):c.29A>C (p.Gln10Pro)

Gene: HSPD1 (heat shock protein family D (Hsp60) member 1; minus strand). Cytogenetic location: 2q33.1.
Variant type: single nucleotide variant.
Coding change: c.29A>C on transcript NM_002156.5 (MANE Select); coding-DNA position 29, A replaced by C.
Protein change: p.Gln10Pro; replaces glutamine 10 with proline.
Molecular consequence: missense variant.
Genome position (GRCh38, 1-based): chr2:197,498,820, T>G on the plus strand (A>C on the coding strand, the complement: HSPD1 is on the minus strand). VCF-style: chr2-197498820-T-G. GRCh37 (hg19) VCF-style: chr2-198363544-T-G.
Other names: c.29A>C, p.Gln10Pro (NM_199440.2); short protein forms Q10P.
Identifiers: ClinVar variation 3651865 (VCV003651865.2).

ClinVar aggregate classification (germline): Uncertain significance (1 of 4 stars; one submission).

Conditions:
Spastic paraplegia. Identifiers: MedGen C0037772, HP:0001258.

Submission:

Labcorp Genetics (formerly Invitae), Labcorp
Classification: Uncertain significance for Spastic paraplegia. Last evaluated: 2024-05-02. Review status: criteria provided, single submitter. Criteria: Invitae Variant Classification Sherloc (09022015). Collection method: clinical testing. Allele origin: germline.
Comment: This sequence change replaces glutamine, which is neutral and polar, with proline, which is neutral and non-polar, at codon 10 of the HSPD1 protein (p.Gln10Pro). This variant is not present in population databases (gnomAD no frequency). This variant has not been reported in the literature in individuals affected with HSPD1-related conditions. An algorithm developed to predict the effect of missense changes on protein structure and function (PolyPhen-2) suggests that this variant is likely to be tolerated. In summary, the available evidence is currently insufficient to determine the role of this variant in disease. Therefore, it has been classified as a Variant of Uncertain Significance.